The following is an entry in ClinVar:

ClinVar aggregate classification (germline): Uncertain significance (1 of 4 stars; one submission).

Allele frequency attached by ClinVar (database versions not stated): gnomAD exomes below 0.00001 and 0.00001; TOPMed 0.00002; gnomAD 0.00003.
gnomAD v4.1: 17 of 1,613,890 alleles (0.0011%); highest among the groups gnomAD compares: East Asian, 0.0089%; no homozygotes.

Submission:

Labcorp Genetics (formerly Invitae), Labcorp
Classification: Uncertain significance. Last evaluated: 2022-10-05. Review status: criteria provided, single submitter. Criteria: Invitae Variant Classification Sherloc (09022015). Collection method: clinical testing. Allele origin: germline.
Comment: In summary, the available evidence is currently insufficient to determine the role of this variant in disease. Therefore, it has been classified as a Variant of Uncertain Significance. Advanced modeling of protein sequence and biophysical properties (such as structural, functional, and spatial information, amino acid conservation, physicochemical variation, residue mobility, and thermodynamic stability) performed at Invitae indicates that this missense variant is not expected to disrupt HK1 protein function. ClinVar contains an entry for this variant (Variation ID: 1369955). This variant has not been reported in the literature in individuals affected with HK1-related conditions. The frequency data for this variant in the population databases is considered unreliable, as metrics indicate poor data quality at this position in the gnomAD database. This sequence change replaces arginine, which is basic and polar, with tryptophan, which is neutral and slightly polar, at codon 910 of the HK1 protein (p.Arg910Trp).

NM_000188.3(HK1):c.2728C>T (p.Arg910Trp)

Gene: HK1 (hexokinase 1; plus strand). Cytogenetic location: 10q22.1.
Variant type: single nucleotide variant.
Coding change: c.2728C>T on transcript NM_000188.3 (MANE Select); coding-DNA position 2728, C replaced by T.
Protein change: p.Arg910Trp; replaces arginine 910 with tryptophan.
Molecular consequence: missense variant.
Genome position (GRCh38, 1-based): chr10:69,401,109, C>T. VCF-style: chr10-69401109-C-T. GRCh37 (hg19) VCF-style: chr10-71160865-C-T.
Other names: c.2740C>T, p.Arg914Trp (NM_001322364.2, NM_001358263.1, NM_033497.3 and 1 more transcripts); c.2833C>T, p.Arg945Trp (NM_001322365.2); c.2644C>T, p.Arg882Trp (NM_001322366.1); c.2632C>T, p.Arg878Trp (NM_001322367.1); c.2725C>T, p.Arg909Trp (NM_033496.3); c.2692C>T, p.Arg898Trp (NM_033500.2); short protein forms R898W, R882W, R909W, R878W, R914W, R910W, R945W.
Identifiers: ClinVar variation 1369955 (VCV001369955.6), dbSNP rs867948527, ClinGen allele CA209221032.